The following is an entry in ClinVar:

ClinVar aggregate classification (germline): Likely pathogenic (1 of 4 stars; one submission).

Conditions:
Macrothrombocytopenia and granulocyte inclusions with or without nephritis or sensorineural hearing loss (MATINS). Also called: ALPORT SYNDROME WITH MACROTHROMBOCYTOPENIA; Fechtner syndrome; Epstein syndrome; Giant platelet syndrome with thrombocytopenia; SEBASTIAN PLATELET SYNDROME; MACROTHROMBOCYTOPENIA WITH DISPERSED LEUKOCYTIC INCLUSIONS. Identifiers: Orphanet 182050, MedGen C5200934, MONDO:0015912, OMIM 155100.

Allele frequency attached by ClinVar (database versions not stated): gnomAD 0.00001.

Submission:

ISTH-SSC Genomics in Thrombosis and Hemostasis, KU Leuven, Center for Molecular and Vascular Biology
Classification: Likely pathogenic for Macrothrombocytopenia and granulocyte inclusions with or without nephritis or sensorineural hearing loss. Review status: criteria provided, single submitter. Criteria: ACMG Guidelines, 2015. Collection method: clinical testing. Allele origin: germline. Affected: yes. Observed: 1 heterozygote.
Comment: Submitted to GoldVariant by Jose María Bastida and José Rivera; Grupo Español de Alteraciones Plaquetarias Congénitas (GEAPC)

NM_002473.6(MYH9):c.4712G>A (p.Arg1571Gln)

Gene: MYH9 (myosin heavy chain 9; minus strand). Cytogenetic location: 22q12.3.
Variant type: single nucleotide variant.
Coding change: c.4712G>A on transcript NM_002473.6 (MANE Select); coding-DNA position 4712, G replaced by A.
Protein change: p.Arg1571Gln; replaces arginine 1571 with glutamine.
Molecular consequence: missense variant.
Genome position (GRCh38, 1-based): chr22:36,288,785, C>T on the plus strand (G>A on the coding strand, the complement: MYH9 is on the minus strand). VCF-style: chr22-36288785-C-T. GRCh37 (hg19) VCF-style: chr22-36684831-C-T.
Other names: short protein forms R1571Q.
Identifiers: ClinVar variation 1703780 (VCV001703780.2), dbSNP rs1569534805, ClinGen allele CA411377454.